The following is an entry in ClinVar:

NM_001004334.4(GPR179):c.561C>G (p.Asn187Lys)

Gene: GPR179 (G protein-coupled receptor 179; minus strand). Cytogenetic location: 17q12.
Variant type: single nucleotide variant.
Coding change: c.561C>G on transcript NM_001004334.4 (MANE Select); coding-DNA position 561, C replaced by G.
Protein change: p.Asn187Lys; replaces asparagine 187 with lysine.
Molecular consequence: missense variant.
Genome position (GRCh38, 1-based): chr17:38,343,229, G>C on the plus strand (C>G on the coding strand, the complement: GPR179 is on the minus strand). VCF-style: chr17-38343229-G-C. GRCh37 (hg19) VCF-style: chr17-36499112-G-C.
Other names: c.561C>G (NM_001004334.2); short protein forms N187K.
Identifiers: ClinVar variation 1429979 (VCV001429979.5), dbSNP rs759443922, ClinGen allele CA290111543.
Genomic context (GRCh38, chr17:38,343,229, plus strand): 5'-CCCTAGGTCATTGGTCAACACTCGCTTCTTCAGGGCAGGGGTGTCCAGGTCCCCAGGAGG[G>C]TTCTCCTCCTGCACCCAGTTCCCAGACAAGTCCTGCAGGATGGTTTCCTCCCCAGTCCGG-3'
Protein context (NP_001004334.3, residues 177-197): DLSGNWVQEE[Asn187Lys]PPGDLDTPAL

ClinVar aggregate classification (germline): Uncertain significance. Review status: criteria provided, multiple submitters, no conflicts (2 of 4 stars). 2 submissions from 2 submitters: Uncertain significance (2). Last evaluated 2023-11-27.

Conditions:
Inborn genetic diseases. Identifiers: MedGen C0950123, MeSH D030342.

Allele frequency attached by ClinVar (database versions not stated): ExAC 0.00001; gnomAD 0.00003 and 0.00004.
gnomAD v4.1: 55 of 1,613,922 alleles (0.0034%); highest among the groups gnomAD compares: Non-Finnish European, 0.0041%; no homozygotes.

Submissions (2):

Labcorp Genetics (formerly Invitae), Labcorp
Classification: Uncertain significance. Last evaluated: 2023-11-27. Review status: criteria provided, single submitter. Criteria: Invitae Variant Classification Sherloc (09022015). Collection method: clinical testing. Allele origin: germline.
Comment: This sequence change replaces asparagine, which is neutral and polar, with lysine, which is basic and polar, at codon 187 of the GPR179 protein (p.Asn187Lys). This variant is present in population databases (rs759443922, gnomAD 0.003%). This variant has not been reported in the literature in individuals affected with GPR179-related conditions. ClinVar contains an entry for this variant (Variation ID: 1429979). An algorithm developed to predict the effect of missense changes on protein structure and function (PolyPhen-2) suggests that this variant¬†is likely to be tolerated. In summary, the available evidence is currently insufficient to determine the role of this variant in disease. Therefore, it has been classified as a Variant of Uncertain Significance.

Ambry Genetics
Classification: Uncertain significance for Inborn genetic diseases. Last evaluated: 2022-08-17. Review status: criteria provided, single submitter. Criteria: Ambry Variant Classification Scheme 2023. Collection method: clinical testing. Allele origin: germline.